The following is an entry in ClinVar:

ClinVar aggregate classification (germline): Likely benign. Review status: criteria provided, single submitter (1 of 4 stars). 2 submissions from 2 submitters: Likely benign (1). 1 of the submissions does not count toward it. Last evaluated 2023-08-10.

Conditions:
FAH-related disorder. Also called: FAH-related condition.
Tyrosinemia type I (TYRSN1). Also called: Tyrosinemia type 1; Fumarylacetoacetase deficiency; Deficiency of fumarylacetoacetase; FAH DEFICIENCY; HEPATORENAL TYROSINEMIA. Identifiers: Orphanet 882, MedGen C0268490, MONDO:0010161, OMIM 276700. Disease mechanism: loss of function.

Allele frequency attached by ClinVar (database versions not stated): gnomAD exomes below 0.00001 and 0.00001; ExAC 0.00001; gnomAD 0.00001; TOPMed 0.00001.
gnomAD v4.1: 20 of 1,614,076 alleles (0.0012%); highest among the groups gnomAD compares: African/African-American, 0.004%; no homozygotes.

Submissions (2):

Labcorp Genetics (formerly Invitae), Labcorp
Classification: Likely benign for Tyrosinemia type I. Last evaluated: 2023-08-10. Review status: criteria provided, single submitter. Criteria: Invitae Variant Classification Sherloc (09022015). Collection method: clinical testing. Allele origin: germline.

PreventionGenetics, part of Exact Sciences
Classification: Likely benign for FAH-related condition. Last evaluated: 2021-04-21. Review status: no assertion criteria provided. Collection method: clinical testing. Allele origin: germline. Not counted in ClinVar's aggregate classification.
Comment: This variant is classified as likely benign based on ACMG/AMP sequence variant interpretation guidelines (Richards et al. 2015 PMID: 25741868, with internal and published modifications).

NM_000137.4(FAH):c.315-9G>A

Genes: FAH (fumarylacetoacetate hydrolase; plus strand), LOC112272621 (Sharpr-MPRA regulatory region 12283; plus strand). Cytogenetic location: 15q25.1.
Variant type: single nucleotide variant.
Coding change: c.315-9G>A on transcript NM_000137.4 (MANE Select); 9 bases into the intron before coding-DNA position 315, G replaced by A.
Molecular consequence: intron variant.
Genome position (GRCh38, 1-based): chr15:80,160,401, G>A. VCF-style: chr15-80160401-G-A. GRCh37 (hg19) VCF-style: chr15-80452743-G-A.
Other names: c.315-9G>A (NM_001374377.1, NM_001374380.1, NM_000137.2).
Identifiers: ClinVar variation 1127393 (VCV001127393.12), dbSNP rs768269250, ClinGen allele CA7691101.